The following is an entry in ClinVar:

ClinVar aggregate classification (germline): Conflicting classifications of pathogenicity. Review status: criteria provided, conflicting classifications (1 of 4 stars). 3 submissions from 3 submitters: Likely pathogenic (1); Uncertain significance (2). Last evaluated 2025-06-03.

Conditions:
Deafness-lymphedema-leukemia syndrome. Also called: Lymphedema, primary, with myelodysplasia; Emberger syndrome. Identifiers: Orphanet 3226, MedGen C3279664, MONDO:0013540, OMIM 614038.
GATA2 deficiency with susceptibility to MDS/AML. Identifiers: MedGen CN300066, MONDO:0042982.
Monocytopenia with susceptibility to infections. Also called: GATA2 DEFICIENCY; MONOCYTOPENIA AND MYCOBACTERIAL INFECTION SYNDROME; MONOCYTOPENIA WITH SUSCEPTIBILITY TO MYCOBACTERIAL, FUNGAL, AND PAPILLOMAVIRUS INFECTIONS AND MYELODYSPLASIA; COMBINED IMMUNODEFICIENCY WITH SUSCEPTIBILITY TO MYCOBACTERIAL, VIRAL, AND FUNGAL INFECTIONS; Dendritic cell, monocyte, B lymphocyte, and natural killer lymphocyte deficiency; IMMUNODEFICIENCY 21. Identifiers: Orphanet 228423, MedGen C3280030, MONDO:0013607, OMIM 614172.

Submissions (3):

GeneDx
Classification: Uncertain significance. Last evaluated: 2025-06-03. Review status: criteria provided, single submitter. Criteria: GeneDx Variant Classification Process June 2021. Collection method: clinical testing. Allele origin: germline. Affected: yes.
Comment: Not observed at significant frequency in large population cohorts (gnomAD); In silico analysis is inconclusive as to whether the variant alters gene splicing. In the absence of RNA/functional studies, the actual effect of this sequence change is unknown.; This variant is associated with the following publications: (PMID: 34387894, 26710799, 29724903, 27577878, 28209719)

Labcorp Genetics (formerly Invitae), Labcorp
Classification: Uncertain significance for Monocytopenia with susceptibility to infections; Deafness-lymphedema-leukemia syndrome. Last evaluated: 2025-05-28. Review status: criteria provided, single submitter. Criteria: Invitae Variant Classification Sherloc (09022015). Collection method: clinical testing. Allele origin: germline.
Comment: This sequence change falls in intron 5 of the GATA2 gene. It does not directly change the encoded amino acid sequence of the GATA2 protein. It affects a nucleotide within the consensus splice site. This variant is not present in population databases (gnomAD no frequency). This variant has been observed in individual(s) with GATA2 deficiency (PMID: 26710799, 29724903). ClinVar contains an entry for this variant (Variation ID: 1184199). Variants that disrupt the consensus splice site are a relatively common cause of aberrant splicing (PMID: 17576681, 9536098). Algorithms developed to predict the effect of sequence changes on RNA splicing suggest that this variant may disrupt the consensus splice site. In summary, the available evidence is currently insufficient to determine the role of this variant in disease. Therefore, it has been classified as a Variant of Uncertain Significance.

Molecular Pathology Research Laboratory, SA Pathology
Classification: Likely pathogenic for GATA2 deficiency with susceptibility to MDS/AML; Deafness-lymphedema-leukemia syndrome. Last evaluated: 2021-07-06. Review status: criteria provided, single submitter. Criteria: ACMG Guidelines, 2015. Collection method: curation. Allele origin: unknown. Inheritance: Autosomal dominant inheritance. Affected: yes. Observed: 2 variant alleles.
Comment: PS1_Supporting, PS4_Moderate, PM2, PP3

Literature cited by the submitters: PubMed 26710799 (cited by Labcorp Genetics (formerly Invitae), Labcorp and Molecular Pathology Research Laboratory, SA Pathology); PubMed 29724903 (cited by Labcorp Genetics (formerly Invitae), Labcorp and Molecular Pathology Research Laboratory, SA Pathology); PubMed 17576681 (cited by Labcorp Genetics (formerly Invitae), Labcorp); PubMed 9536098 (cited by Labcorp Genetics (formerly Invitae), Labcorp).

NM_032638.5(GATA2):c.1143+5G>C

Gene: GATA2 (GATA binding protein 2; minus strand). Cytogenetic location: 3q21.3.
Variant type: single nucleotide variant.
Coding change: c.1143+5G>C on transcript NM_032638.5 (MANE Select); 5 bases into the intron after coding-DNA position 1143, G replaced by C.
Molecular consequence: intron variant.
Genome position (GRCh38, 1-based): chr3:128,481,814, C>G on the plus strand (G>C on the coding strand, the complement: GATA2 is on the minus strand). VCF-style: chr3-128481814-C-G. GRCh37 (hg19) VCF-style: chr3-128200657-C-G.
Other names: c.1101+5G>C (NM_001145662.1); c.1143+5G>C (NM_001145661.2).
Identifiers: ClinVar variation 1184199 (VCV001184199.3), dbSNP rs2107668551, ClinGen allele CA1139655019.